The following is an entry in ClinVar:

ClinVar aggregate classification (germline): Uncertain significance (1 of 4 stars; one submission).

Allele frequency attached by ClinVar (database versions not stated): gnomAD 0.00001.
gnomAD v4.1: 1 of 1,614,022 alleles (0.000062%); highest among the groups gnomAD compares: Admixed American, 0.0017%; no homozygotes.

Submission:

Labcorp Genetics (formerly Invitae), Labcorp
Classification: Uncertain significance. Last evaluated: 2022-04-14. Review status: criteria provided, single submitter. Criteria: Invitae Variant Classification Sherloc (09022015). Collection method: clinical testing. Allele origin: germline.
Comment: In summary, the available evidence is currently insufficient to determine the role of this variant in disease. Therefore, it has been classified as a Variant of Uncertain Significance. This sequence change replaces valine, which is neutral and non-polar, with leucine, which is neutral and non-polar, at codon 2098 of the CENPF protein (p.Val2098Leu). This variant is not present in population databases (gnomAD no frequency). This variant has not been reported in the literature in individuals affected with CENPF-related conditions. Algorithms developed to predict the effect of missense changes on protein structure and function output the following: SIFT: "Tolerated"; PolyPhen-2: "Benign"; Align-GVGD: "Class C0". The leucine amino acid residue is found in multiple mammalian species, which suggests that this missense change does not adversely affect protein function.

NM_016343.4(CENPF):c.6292G>T (p.Val2098Leu)

Gene: CENPF (centromere protein F; plus strand). Cytogenetic location: 1q41.
Variant type: single nucleotide variant.
Coding change: c.6292G>T on transcript NM_016343.4 (MANE Select); coding-DNA position 6292, G replaced by T.
Protein change: p.Val2098Leu; replaces valine 2098 with leucine.
Molecular consequence: missense variant.
Genome position (GRCh38, 1-based): chr1:214,645,862, G>T. VCF-style: chr1-214645862-G-T. GRCh37 (hg19) VCF-style: chr1-214819205-G-T.
Other names: short protein forms V2098L.
Identifiers: ClinVar variation 2125640 (VCV002125640.4), dbSNP rs1658280977, ClinGen allele CA344845957.